The following is an entry in ClinVar:

NM_000138.5(FBN1):c.198C>A (p.Tyr66Ter)

Gene: FBN1 (fibrillin 1; minus strand). Cytogenetic location: 15q21.1.
Variant type: single nucleotide variant.
Coding change: c.198C>A on transcript NM_000138.5 (MANE Select); coding-DNA position 198, C replaced by A.
Protein change: p.Tyr66Ter; replaces tyrosine 66 with a stop codon.
Molecular consequence: nonsense.
Genome position (GRCh38, 1-based): chr15:48,613,059, G>T on the plus strand (C>A on the coding strand, the complement: FBN1 is on the minus strand). VCF-style: chr15-48613059-G-T. GRCh37 (hg19) VCF-style: chr15-48905256-G-T.
Other names: short protein forms Y66*.
Identifiers: ClinVar variation 994182 (VCV000994182.8), dbSNP rs2044669179, ClinGen allele CA392448455.

ClinVar aggregate classification (germline): Likely pathogenic (1 of 4 stars; one submission).

Submission:

ARUP Laboratories, Molecular Genetics and Genomics, ARUP Laboratories
Classification: Likely pathogenic. Last evaluated: 2019-11-19. Review status: criteria provided, single submitter. Criteria: ARUP Molecular Germline Variant Investigation Process. Collection method: clinical testing. Allele origin: germline.
Comment: The FBN1 c.198C>A; p.Tyr66Ter variant, to our knowledge, is not reported in the medical literature or gene specific databases. This variant is also absent from general population databases (Exome Variant Server, Genome Aggregation Database), indicating it is not a common polymorphism. This variant induces an early termination codon and is predicted to result in a truncated protein or mRNA subject to nonsense-mediated decay. Additionally, several downstream truncating variants have been described in individuals with Marfan syndrome and are considered pathogenic (Becerra-Munoz 2018, Rommel 2005). However, as the p.Tyr66Ter variant is located at the beginning of the transcript, use of a downstream start codon cannot be ruled out. Based on available information, this variant is considered to be likely pathogenic. References: Becerra-Munoz VM et al. The importance of genotype-phenotype correlation in the clinical management of Marfan syndrome. Orphanet J Rare Dis. 2018 Jan 22;13(1):16. Rommel K et al. Identification of 29 novel and nine recurrent fibrillin-1 (FBN1) mutations and genotype-phenotype correlations in 76 patients with Marfan syndrome. Hum Mutat. 2005 Dec;26(6):529-39.